The following is an entry in ClinVar:

ClinVar aggregate classification (germline): Uncertain significance. Review status: criteria provided, multiple submitters, no conflicts (2 of 4 stars). 2 submissions from 2 submitters: Uncertain significance (2). Last evaluated 2026-02-15.

Conditions:
Inborn genetic diseases. Identifiers: MedGen C0950123, MeSH D030342.

Submissions (2):

Ambry Genetics
Classification: Uncertain significance for Inborn genetic diseases. Last evaluated: 2026-02-15. Review status: criteria provided, single submitter. Criteria: Ambry Variant Classification Scheme 2023. Collection method: clinical testing. Allele origin: germline.
Comment: The p.Q281E variant (also known as c.841C>G), located in coding exon 9 of the ASXL1 gene, results from a C to G substitution at nucleotide position 841. The glutamine at codon 281 is replaced by glutamic acid, an amino acid with highly similar properties. This amino acid position is conserved. In addition, the in silico prediction for this alteration is inconclusive. Based on the available evidence, the clinical significance of this variant remains unclear.

Labcorp Genetics (formerly Invitae), Labcorp
Classification: Uncertain significance. Last evaluated: 2022-11-08. Review status: criteria provided, single submitter. Criteria: Invitae Variant Classification Sherloc (09022015). Collection method: clinical testing. Allele origin: germline.
Comment: Algorithms developed to predict the effect of missense changes on protein structure and function (SIFT, PolyPhen-2, Align-GVGD) all suggest that this variant is likely to be disruptive. This variant has not been reported in the literature in individuals affected with ASXL1-related conditions. In summary, the available evidence is currently insufficient to determine the role of this variant in disease. Therefore, it has been classified as a Variant of Uncertain Significance. This sequence change replaces glutamine, which is neutral and polar, with glutamic acid, which is acidic and polar, at codon 281 of the ASXL1 protein (p.Gln281Glu). This variant is not present in population databases (gnomAD no frequency).

NM_015338.6(ASXL1):c.841C>G (p.Gln281Glu)

Gene: ASXL1 (ASXL transcriptional regulator 1; plus strand). Cytogenetic location: 20q11.21.
Variant type: single nucleotide variant.
Coding change: c.841C>G on transcript NM_015338.6 (MANE Select); coding-DNA position 841, C replaced by G.
Protein change: p.Gln281Glu; replaces glutamine 281 with glutamic acid.
Molecular consequence: missense variant.
Genome position (GRCh38, 1-based): chr20:32,431,443, C>G. VCF-style: chr20-32431443-C-G. GRCh37 (hg19) VCF-style: chr20-31019246-C-G.
Other names: c.658C>G, p.Gln220Glu (NM_001363734.1); short protein forms Q220E, Q281E.
Identifiers: ClinVar variation 1715594 (VCV001715594.6), dbSNP rs2515515900, ClinGen allele CA408553869.